The following is an entry in ClinVar:

ClinVar aggregate classification (germline): Uncertain significance (1 of 4 stars; one submission).

Submission:

GeneDx
Classification: Uncertain significance. Last evaluated: 2025-07-10. Review status: criteria provided, single submitter. Criteria: GeneDx Variant Classification Process June 2021. Collection method: clinical testing. Allele origin: germline. Affected: yes.
Comment: Not observed at significant frequency in large population cohorts (gnomAD); In silico analysis suggests this variant may impact gene splicing. In the absence of RNA/functional studies, the actual effect of this sequence change is unknown.; In silico analysis supports that this missense variant has a deleterious effect on protein structure/function; Has not been previously published as pathogenic or benign to our knowledge

NM_003482.4(KMT2D):c.16418T>G (p.Ile5473Ser)

Gene: KMT2D (lysine methyltransferase 2D; minus strand). Cytogenetic location: 12q13.12.
Variant type: single nucleotide variant.
Coding change: c.16418T>G on transcript NM_003482.4 (MANE Select); coding-DNA position 16418, T replaced by G.
Protein change: p.Ile5473Ser; replaces isoleucine 5473 with serine.
Molecular consequence: missense variant.
Genome position (GRCh38, 1-based): chr12:49,022,146, A>C on the plus strand (T>G on the coding strand, the complement: KMT2D is on the minus strand). VCF-style: chr12-49022146-A-C. GRCh37 (hg19) VCF-style: chr12-49415929-A-C.
Other names: short protein forms I5473S.
Identifiers: ClinVar variation 4685393 (VCV004685393.1).